The following is an entry in ClinVar:

NM_004036.5(ADCY3):c.1396G>C (p.Gly466Arg)

Gene: ADCY3 (adenylate cyclase 3; minus strand). Cytogenetic location: 2p23.3.
Variant type: single nucleotide variant.
Coding change: c.1396G>C on transcript NM_004036.5 (MANE Select); coding-DNA position 1396, G replaced by C.
Protein change: p.Gly466Arg; replaces glycine 466 with arginine.
Molecular consequence: missense variant.
Genome position (GRCh38, 1-based): chr2:24,838,582, C>G on the plus strand (G>C on the coding strand, the complement: ADCY3 is on the minus strand). VCF-style: chr2-24838582-C-G. GRCh37 (hg19) VCF-style: chr2-25061451-C-G.
Other names: c.1396G>C, p.Gly466Arg (NM_001320613.2, NM_001377129.1, NM_001377130.1 and 1 more transcripts); c.1462G>C, p.Gly488Arg (NM_001377128.1); c.673G>C, p.Gly225Arg (NM_001377131.1); c.1396G>C (NM_001320613.1); short protein forms G225R, G488R, G466R.
Identifiers: ClinVar variation 2368358 (VCV002368358.3), dbSNP rs1042043452, ClinGen allele CA43635614.

ClinVar aggregate classification (germline): Uncertain significance. Review status: criteria provided, multiple submitters, no conflicts (2 of 4 stars). 2 submissions from 2 submitters: Uncertain significance (2). Last evaluated 2026-03-18.

Conditions:
Inborn genetic diseases. Identifiers: MedGen C0950123, MeSH D030342.
ADCY3-related disorder. Also called: ADCY3-related condition.

Allele frequency attached by ClinVar (database versions not stated): gnomAD 0.00001; gnomAD exomes 0.00001; TOPMed 0.00004.
gnomAD v4.1: 14 of 1,614,060 alleles (0.00087%); highest among the groups gnomAD compares: Non-Finnish European, 0.0012%; no homozygotes.

Submissions (2):

PreventionGenetics, part of Exact Sciences
Classification: Uncertain significance for ADCY3-related condition. Last evaluated: 2026-03-18. Review status: criteria provided, single submitter. Criteria: ACMG Guidelines, 2015. Collection method: clinical testing. Allele origin: germline.
Comment: The ADCY3 c.1396G>C variant is predicted to result in the amino acid substitution p.Gly466Arg. To our knowledge, this variant has not been reported in the literature or in a large population database (gnomAD), indicating this variant is rare. At this time, the clinical significance of this variant is uncertain due to the absence of conclusive functional and genetic evidence.

Ambry Genetics
Classification: Uncertain significance for Inborn genetic diseases. Last evaluated: 2022-09-28. Review status: criteria provided, single submitter. Criteria: Ambry Variant Classification Scheme 2023. Collection method: clinical testing. Allele origin: germline.